The following is an entry in ClinVar:

NM_024753.5(TTC21B):c.3350A>C (p.Gln1117Pro)

Gene: TTC21B (tetratricopeptide repeat domain 21B; minus strand). Cytogenetic location: 2q24.3.
Variant type: single nucleotide variant.
Coding change: c.3350A>C on transcript NM_024753.5 (MANE Select); coding-DNA position 3350, A replaced by C.
Protein change: p.Gln1117Pro; replaces glutamine 1117 with proline.
Molecular consequence: missense variant.
Genome position (GRCh38, 1-based): chr2:165,888,388, T>G on the plus strand (A>C on the coding strand, the complement: TTC21B is on the minus strand). VCF-style: chr2-165888388-T-G. GRCh37 (hg19) VCF-style: chr2-166744898-T-G.
Other names: short protein forms Q1117P.
Identifiers: ClinVar variation 572325 (VCV000572325.9), dbSNP rs148631747, ClinGen allele CA1941529.
Genomic context (GRCh38, chr2:165,888,388, plus strand): 5'-GATTTCTGTTTGGTAGCCATTAAGCAATAGTTTTCCATTATGCGAAGCTGTACGTGACCC[T>G]GAACAGTCTGAGGTTTTAGTTCCTTAAGAAGTTTTTCTGCTGTTCTTACTGCCAGTTGCA-3'
Protein context (NP_079029.3, residues 1107-1127): LLKELKPQTV[Gln1117Pro]GHVQLRIMEN

ClinVar aggregate classification (germline): Uncertain significance. Review status: criteria provided, multiple submitters, no conflicts (2 of 4 stars). 4 submissions from 4 submitters: Uncertain significance (4). Last evaluated 2025-04-30.

Conditions:
Nephronophthisis 12 (NPHP12). Identifiers: Orphanet 655, MedGen C3151186, MONDO:0013442, OMIM 613820.
Asphyxiating thoracic dystrophy 4 (SRTD4). Also called: SHORT-RIB THORACIC DYSPLASIA 4 WITH OR WITHOUT POLYDACTYLY; SHORT-RIB THORACIC DYSPLASIA 4. Identifiers: Orphanet 474, MedGen C3151185, MONDO:0013441, OMIM 613819.
TTC21B-related disorder. Also called: TTC21B-related condition; TTC21B-related disorders.
Nephronophthisis. Also called: Juvenile Nephronophthisis. Identifiers: Orphanet 655, MedGen C0687120, MONDO:0019005, HP:0000090.
Jeune thoracic dystrophy. Also called: Short-rib thoracic dysplasia; Jeune syndrome; Infantile thoracic dystrophy; Thoracic pelvic phalangeal dystrophy; Jeune's syndrome; Chondroectodermal dysplasia-like syndrome. Identifiers: Orphanet 474, MedGen C0265275, MONDO:0018770.

Allele frequency attached by ClinVar (database versions not stated): ExAC 0.00001; gnomAD 0.00001; gnomAD exomes 0.00001; TOPMed 0.00003; ESP Exome Variant Server 0.00008.
gnomAD v4.1: 8 of 1,613,738 alleles (0.0005%); highest among the groups gnomAD compares: African/African-American, 0.0013%; no homozygotes.

Submissions (4):

PreventionGenetics, part of Exact Sciences
Classification: Uncertain significance for TTC21B-related condition. Last evaluated: 2025-04-30. Review status: criteria provided, single submitter. Criteria: ACMG Guidelines, 2015. Collection method: clinical testing. Allele origin: germline.
Comment: The TTC21B c.3350A>C variant is predicted to result in the amino acid substitution p.Gln1117Pro. To our knowledge, this variant has not been reported in the literature. This variant is reported in 0.0018% of alleles in individuals of European (Non-Finnish) descent in gnomAD. At this time, the clinical significance of this variant is uncertain due to the absence of conclusive functional and genetic evidence.

Labcorp Genetics (formerly Invitae), Labcorp
Classification: Uncertain significance for Jeune thoracic dystrophy; Nephronophthisis. Last evaluated: 2022-03-19. Review status: criteria provided, single submitter. Criteria: Invitae Variant Classification Sherloc (09022015). Collection method: clinical testing. Allele origin: germline.
Comment: This sequence change replaces glutamine, which is neutral and polar, with proline, which is neutral and non-polar, at codon 1117 of the TTC21B protein (p.Gln1117Pro). This variant is present in population databases (rs148631747, gnomAD 0.0009%). This variant has not been reported in the literature in individuals affected with TTC21B-related conditions. ClinVar contains an entry for this variant (Variation ID: 572325). Algorithms developed to predict the effect of missense changes on protein structure and function are either unavailable or do not agree on the potential impact of this missense change (SIFT: "Deleterious"; PolyPhen-2: "Benign"; Align-GVGD: "Class C0"). In summary, the available evidence is currently insufficient to determine the role of this variant in disease. Therefore, it has been classified as a Variant of Uncertain Significance.

Blueprint Genetics
Classification: Uncertain significance. Last evaluated: 2021-10-08. Review status: criteria provided, single submitter. Criteria: ACMG Guidelines, 2015. Collection method: clinical testing. Allele origin: germline.

Fulgent Genetics
Classification: Uncertain significance for Asphyxiating thoracic dystrophy 4; Nephronophthisis 12. Last evaluated: 2021-08-13. Review status: criteria provided, single submitter. Criteria: ACMG Guidelines, 2015. Collection method: clinical testing. Allele origin: unknown.